The following is an entry in ClinVar:

NM_018076.5(ODAD2):c.130A>C (p.Lys44Gln)

Genes: ODAD2 (outer dynein arm docking complex subunit 2; minus strand), LOC126860891 (CDK7 strongly-dependent group 2 enhancer GRCh37_chr10:28283413-28284612; plus strand). Cytogenetic location: 10p12.1.
Variant type: single nucleotide variant.
Coding change: c.130A>C on transcript NM_018076.5 (MANE Select); coding-DNA position 130, A replaced by C.
Protein change: p.Lys44Gln; replaces lysine 44 with glutamine.
Molecular consequence: missense variant.
Genome position (GRCh38, 1-based): chr10:27,995,013, T>G on the plus strand (A>C on the coding strand, the complement: ODAD2 is on the minus strand). VCF-style: chr10-27995013-T-G. GRCh37 (hg19) VCF-style: chr10-28283942-T-G.
Other names: c.130A>C, p.Lys44Gln (NM_001290020.2); short protein forms K44Q.
Identifiers: ClinVar variation 581837 (VCV000581837.12), dbSNP rs372462289, ClinGen allele CA5453902.

ClinVar aggregate classification (germline): Uncertain significance. Review status: criteria provided, multiple submitters, no conflicts (2 of 4 stars). 2 submissions from 2 submitters: Uncertain significance (2). Last evaluated 2025-08-31.

Conditions:
Primary ciliary dyskinesia 23 (CILD23). Also called: CILIARY DYSKINESIA, PRIMARY, 23, WITH OR WITHOUT SITUS INVERSUS. Identifiers: Orphanet 244, MedGen C3809548, MONDO:0014193, OMIM 615451.
Primary ciliary dyskinesia. Also called: Ciliary dyskinesia. Identifiers: Orphanet 244, MedGen C0008780, MONDO:0016575, HP:0012265.

Allele frequency attached by ClinVar (database versions not stated): ExAC 0.00001; gnomAD 0.00001; gnomAD exomes 0.00001; TOPMed 0.00001; ESP Exome Variant Server 0.00008.
gnomAD v4.1: 35 of 1,614,070 alleles (0.0022%); highest among the groups gnomAD compares: Non-Finnish European, 0.0026%; no homozygotes.

Submissions (2):

Ambry Genetics
Classification: Uncertain significance for Primary ciliary dyskinesia. Last evaluated: 2025-08-31. Review status: criteria provided, single submitter. Criteria: Ambry Variant Classification Scheme 2023. Collection method: clinical testing. Allele origin: germline.

Labcorp Genetics (formerly Invitae), Labcorp
Classification: Uncertain significance for Primary ciliary dyskinesia 23. Last evaluated: 2023-08-04. Review status: criteria provided, single submitter. Criteria: Invitae Variant Classification Sherloc (09022015). Collection method: clinical testing. Allele origin: germline.
Comment: In summary, the available evidence is currently insufficient to determine the role of this variant in disease. Therefore, it has been classified as a Variant of Uncertain Significance. An algorithm developed to predict the effect of missense changes on protein structure and function (PolyPhen-2) suggests that this variant is likely to be tolerated. ClinVar contains an entry for this variant (Variation ID: 581837). This variant has not been reported in the literature in individuals affected with ARMC4-related conditions. This variant is present in population databases (rs372462289, gnomAD 0.002%). This sequence change replaces lysine, which is basic and polar, with glutamine, which is neutral and polar, at codon 44 of the ARMC4 protein (p.Lys44Gln).